The following is an entry in ClinVar:

ClinVar aggregate classification (germline): Uncertain significance (1 of 4 stars; one submission).

Allele frequency attached by ClinVar (database versions not stated): gnomAD exomes below 0.00001.
gnomAD v4.1: 1 of 1,612,108 alleles (0.000062%); highest among the groups gnomAD compares: Non-Finnish European, 0.000085%; no homozygotes.

Submission:

Labcorp Genetics (formerly Invitae), Labcorp
Classification: Uncertain significance. Last evaluated: 2023-06-30. Review status: criteria provided, single submitter. Criteria: Invitae Variant Classification Sherloc (09022015). Collection method: clinical testing. Allele origin: germline.
Comment: In summary, the available evidence is currently insufficient to determine the role of this variant in disease. Therefore, it has been classified as a Variant of Uncertain Significance. An algorithm developed to predict the effect of missense changes on protein structure and function (PolyPhen-2) suggests that this variant is likely to be tolerated. ClinVar contains an entry for this variant (Variation ID: 2109674). This variant has not been reported in the literature in individuals affected with CACNA2D4-related conditions. This variant is not present in population databases (gnomAD no frequency). This sequence change replaces aspartic acid, which is acidic and polar, with asparagine, which is neutral and polar, at codon 422 of the CACNA2D4 protein (p.Asp422Asn).

NM_172364.5(CACNA2D4):c.1264G>A (p.Asp422Asn)

Gene: CACNA2D4 (calcium voltage-gated channel auxiliary subunit alpha2delta 4; minus strand). Cytogenetic location: 12p13.33.
Variant type: single nucleotide variant.
Coding change: c.1264G>A on transcript NM_172364.5 (MANE Select); coding-DNA position 1264, G replaced by A.
Protein change: p.Asp422Asn; replaces aspartic acid 422 with asparagine.
Molecular consequence: missense variant.
Genome position (GRCh38, 1-based): chr12:1,884,776, C>T on the plus strand (G>A on the coding strand, the complement: CACNA2D4 is on the minus strand). VCF-style: chr12-1884776-C-T. GRCh37 (hg19) VCF-style: chr12-1993942-C-T.
Other names: short protein forms D422N.
Identifiers: ClinVar variation 2109674 (VCV002109674.4), dbSNP rs2497239954, ClinGen allele CA383358044.